The following is an entry in ClinVar:

ClinVar aggregate classification (germline): Conflicting classifications of pathogenicity. Review status: criteria provided, conflicting classifications (1 of 4 stars). 2 submissions from 2 submitters: Uncertain significance (1); Likely benign (1). Last evaluated 2023-07-19.

Conditions:
Long QT syndrome (LQTS). Identifiers: MedGen C0023976, MeSH D008133, MONDO:0002442. Disease mechanism: loss of function. Inheritance: Various modes of inheritance.

Allele frequency attached by ClinVar (database versions not stated): ExAC 0.00001; gnomAD 0.00001; gnomAD exomes 0.00001; 1000 Genomes Project 30x 0.00016; 1000 Genomes Project 0.00020.
gnomAD v4.1: 10 of 1,576,174 alleles (0.00063%); highest among the groups gnomAD compares: South Asian, 0.01%; no homozygotes.

Submissions (2):

Blueprint Genetics
Classification: Likely benign. Last evaluated: 2023-07-19. Review status: criteria provided, single submitter. Criteria: ACMG Guidelines, 2015. Collection method: clinical testing. Allele origin: germline.

Labcorp Genetics (formerly Invitae), Labcorp
Classification: Uncertain significance for Long QT syndrome. Last evaluated: 2018-08-30. Review status: criteria provided, single submitter. Criteria: Invitae Variant Classification Sherloc (09022015). Collection method: clinical testing. Allele origin: germline.
Comment: This sequence change falls in intron 34 of the CACNA1C gene. It does not directly change the encoded amino acid sequence of the CACNA1C protein, but it affects a nucleotide within the consensus splice site of the intron. This variant is present in population databases (rs550612732, ExAC 0.007%). This variant has not been reported in the literature in individuals with CACNA1C-related disease. ClinVar contains an entry for this variant (Variation ID: 411738). Nucleotide substitutions within the consensus splice site are a relatively common cause of aberrant splicing (PMID: 17576681, 9536098). Algorithms developed to predict the effect of sequence changes on RNA splicing suggest that this variant is not likely to affect RNA splicing, but this prediction has not been confirmed by published transcriptional studies. In summary, the available evidence is currently insufficient to determine the role of this variant in disease. Therefore, it has been classified as a Variant of Uncertain Significance.

Literature cited by the submitters: PubMed 17576681 (cited by Labcorp Genetics (formerly Invitae), Labcorp); PubMed 9536098 (cited by Labcorp Genetics (formerly Invitae), Labcorp).

NM_000719.7(CACNA1C):c.4232+4G>A

Gene: CACNA1C (calcium voltage-gated channel subunit alpha1 C; plus strand). Cytogenetic location: 12p13.33.
Variant type: single nucleotide variant.
Coding change: c.4232+4G>A on transcript NM_000719.7 (MANE Select); 4 bases into the intron after coding-DNA position 4232, G replaced by A.
Molecular consequence: intron variant.
Genome position (GRCh38, 1-based): chr12:2,655,242, G>A. VCF-style: chr12-2655242-G-A. GRCh37 (hg19) VCF-style: chr12-2764408-G-A.
Other names: c.4232+4G>A (NM_001167624.3, NM_001167623.2, NM_001129840.2 and 7 more transcripts); c.4199+4G>A (NM_001167625.2, NM_001129837.2, NM_001129838.2 and 1 more transcripts); c.4376+4G>A (NM_199460.4, NM_001129827.2); c.4292+4G>A (NM_001129832.2); c.4316+4G>A (NM_001129831.2); c.4298+4G>A (NM_001129829.2); c.4193+4G>A (NM_001129839.2); c.4283+4G>A (NM_001129836.2); and 1 more.
Identifiers: ClinVar variation 411738 (VCV000411738.5), dbSNP rs550612732, ClinGen allele CA6389508.